The following is an entry in ClinVar:

ClinVar aggregate classification (germline): Pathogenic (1 of 4 stars; one submission).

Conditions:
Hereditary cancer-predisposing syndrome. Also called: Tumor predisposition; Neoplastic Syndromes, Hereditary; Hereditary neoplastic syndrome; Hereditary Cancer Syndrome. Identifiers: Orphanet 140162, MedGen C0027672, MeSH D009386, MONDO:0015356.

Submission:

Ambry Genetics
Classification: Pathogenic for Hereditary cancer-predisposing syndrome. Last evaluated: 2024-08-29. Review status: criteria provided, single submitter. Criteria: Ambry Variant Classification Scheme 2023. Collection method: clinical testing. Allele origin: germline.
Comment: The c.37delA (p.T13Pfs*83) alteration, located in exon 1 (coding exon 1) of the SUFU gene, consists of a deletion of one nucleotide at position 37, causing a translational frameshift with a predicted alternate stop codon after 83 amino acids. This alteration is expected to result in loss of function by premature protein truncation or nonsense-mediated mRNA decay. This variant was flagged as a low confidence call in the Genome Aggregation Database (gnomAD). Based on the available evidence, this alteration is classified as pathogenic.

NM_016169.4(SUFU):c.37del (p.Thr13fs)

Genes: SUFU (SUFU negative regulator of hedgehog signaling; plus strand), LOC130004614 (ATAC-STARR-seq lymphoblastoid silent region 2764; plus strand). Cytogenetic location: 10q24.32.
Variant type: Deletion.
Coding change: c.37del on transcript NM_016169.4 (MANE Select); coding-DNA position 37, one base deleted (A; older notation c.37delA).
Protein change: p.Thr13fs; shifts the reading frame from threonine 13.
Molecular consequence: frameshift variant.
Genome position (GRCh38, 1-based): chr10:102,504,189, A deleted. VCF-style (leftmost placement, unchanged base first): chr10-102504188-CA-C. GRCh37 (hg19) VCF-style: chr10-104263945-CA-C.
Other names: c.37del, p.Thr13fs (NM_001178133.2); short protein forms T13fs.
Identifiers: ClinVar variation 3451149 (VCV003451149.1).